The following is an entry in ClinVar:

NM_007294.4(BRCA1):c.1966A>G (p.Asn656Asp)

Gene: BRCA1 (BRCA1 DNA repair associated; minus strand). Cytogenetic location: 17q21.31.
Variant type: single nucleotide variant.
Coding change: c.1966A>G on transcript NM_007294.4 (MANE Select); coding-DNA position 1966, A replaced by G.
Protein change: p.Asn656Asp; replaces asparagine 656 with aspartic acid.
Molecular consequence: missense variant. On other transcripts: intron variant (137).
Genome position (GRCh38, 1-based): chr17:43,093,565, T>C on the plus strand (A>G on the coding strand, the complement: BRCA1 is on the minus strand). VCF-style: chr17-43093565-T-C. GRCh37 (hg19) VCF-style: chr17-41245582-T-C.
Other names: c.1753A>G, p.Asn585Asp (NM_001407571.1, NM_001407915.1, NM_001407916.1 and 9 more transcripts); c.1966A>G, p.Asn656Asp (NM_001407581.1, NM_001407582.1, NM_001407583.1 and 30 more transcripts); c.1963A>G, p.Asn655Asp (NM_001407587.1, NM_001407590.1, NM_001407591.1 and 22 more transcripts); c.1888A>G, p.Asn630Asp (NM_001407653.1, NM_001407654.1, NM_001407655.1 and 4 more transcripts); c.1885A>G, p.Asn629Asp (NM_001407659.1, NM_001407660.1, NM_001407661.1 and 1 more transcripts); c.1840A>G, p.Asn614Asp (NM_001407671.1, NM_001407672.1, NM_001407673.1 and 11 more transcripts); c.1843A>G, p.Asn615Asp (NM_001407674.1, NM_001407675.1, NM_001407676.1 and 19 more transcripts); c.1825A>G, p.Asn609Asp (NM_001407692.1, NM_001407694.1, NM_001407695.1 and 29 more transcripts); and 40 more; short protein forms N656D, N609D, N360D, N528D, N529D, N586D, N614D, N655D.
Identifiers: ClinVar variation 187080 (VCV000187080.20), dbSNP rs786203455, ClinGen allele CA001312.

ClinVar aggregate classification (germline): Conflicting classifications of pathogenicity. Review status: criteria provided, conflicting classifications (1 of 4 stars). 6 submissions from 6 submitters: Uncertain significance (3); Likely benign (2). 1 of the submissions does not count toward it. Last evaluated 2025-07-02.

Conditions:
Hereditary breast ovarian cancer syndrome. Also called: Hereditary breast and ovarian cancer syndrome; Hereditary breast and ovarian cancer syndrome (HBOC); BRCA1- and BRCA2-Associated Hereditary Breast and Ovarian Cancer; Breast and ovarian cancer; Hereditary breast and ovarian cancer; Hereditary breast and/or ovarian cancer syndrome. Identifiers: Orphanet 145, MedGen C0677776, MeSH D061325, MONDO:0003582. Disease mechanism: loss of function.
Hereditary cancer-predisposing syndrome. Also called: Hereditary Cancer Syndrome; Hereditary neoplastic syndrome; Tumor predisposition; Neoplastic Syndromes, Hereditary. Identifiers: Orphanet 140162, MedGen C0027672, MeSH D009386, MONDO:0015356.
Breast-ovarian cancer, familial, susceptibility to, 1 (BROVCA1). Also called: OVARIAN CANCER, SUSCEPTIBILITY TO; BRCA1 Hereditary Breast and Ovarian Cancer. Identifiers: Orphanet 145, MedGen C2676676, MONDO:0011450, OMIM 604370. Disease mechanism: loss of function.

Submissions (6):

Labcorp Genetics (formerly Invitae), Labcorp
Classification: Uncertain significance for Hereditary breast ovarian cancer syndrome. Last evaluated: 2025-07-02. Review status: criteria provided, single submitter. Criteria: Invitae Variant Classification Sherloc (09022015). Collection method: clinical testing. Allele origin: germline.
Comment: This sequence change replaces asparagine, which is neutral and polar, with aspartic acid, which is acidic and polar, at codon 656 of the BRCA1 protein (p.Asn656Asp). This variant is not present in population databases (gnomAD no frequency). This variant has not been reported in the literature in individuals affected with BRCA1-related conditions. ClinVar contains an entry for this variant (Variation ID: 187080). Invitae Evidence Modeling of protein sequence and biophysical properties (such as structural, functional, and spatial information, amino acid conservation, physicochemical variation, residue mobility, and thermodynamic stability) indicates that this missense variant is not expected to disrupt BRCA1 protein function with a negative predictive value of 80%. In summary, the available evidence is currently insufficient to determine the role of this variant in disease. Therefore, it has been classified as a Variant of Uncertain Significance.

Quest Diagnostics Nichols Institute San Juan Capistrano
Classification: Uncertain significance. Last evaluated: 2025-04-21. Review status: criteria provided, single submitter. Criteria: Quest Diagnostics criteria. Collection method: clinical testing. Allele origin: unknown.
Comment: The BRCA1 c.1966A>G (p.Asn656Asp) variant has been reported in the published literature to be located in a region of the BRCA1 gene that is tolerant to missense sequence changes (PMID: 31911673 (2020)). To the best of our knowledge, this variant has not been reported in individuals with BRCA1-related disorders. This variant has not been reported in large, multi-ethnic general populations (Genome Aggregation Database). Analysis of this variant using bioinformatics tools for the prediction of the effect of amino acid changes on protein structure and function yielded predictions that this variant is benign. Based on the available information, we are unable to determine the clinical significance of this variant.

Color Diagnostics, LLC DBA Color Health
Classification: Uncertain significance for Hereditary cancer-predisposing syndrome. Last evaluated: 2024-05-20. Review status: criteria provided, single submitter. Criteria: ACMG Guidelines, 2015. Collection method: clinical testing. Allele origin: germline.
Comment: This missense variant replaces asparagine with aspartic acid at codon 656 of the BRCA1 protein. Computational prediction suggests that this variant may not impact protein structure and function. To our knowledge, functional studies have not been reported for this variant. This variant has not been reported in individuals affected with BRCA1-related disorders in the literature. This variant has not been identified in the general population by the Genome Aggregation Database (gnomAD). The available evidence is insufficient to determine the role of this variant in disease conclusively. Therefore, this variant is classified as a Variant of Uncertain Significance.

University of Washington Department of Laboratory Medicine, University of Washington
Classification: Likely benign for Hereditary cancer-predisposing syndrome. Last evaluated: 2023-03-23. Review status: criteria provided, single submitter. Criteria: Dines et al. (Genet Med. 2020). Collection method: curation. Allele origin: germline.
Comment: Missense variant in a coldspot region where missense variants are very unlikely to be pathogenic (PMID:31911673).

BRCA1 coldspot (exon 11 using historical exon numbering). Reclassification based on statistical prior probability

Ambry Genetics
Classification: Likely benign for Hereditary cancer-predisposing syndrome. Last evaluated: 2016-09-07. Review status: criteria provided, single submitter. Criteria: Ambry Variant Classification Scheme 2023. Collection method: clinical testing. Allele origin: germline.

Department of Medical and Surgical Sciences, University of Bologna
Classification: Likely benign for Breast-ovarian cancer, familial, susceptibility to, 1. Last evaluated: 2023-09-01. Review status: no assertion criteria provided. Collection method: clinical testing. Allele origin: germline. Affected: yes. Not counted in ClinVar's aggregate classification.
Comment: PM2(Supporting)+BP1(Strong) according to ACMG/AMP classification guidelines specified for BRCA1 & BRCA2 (Classification Criteria V1.0.0 2023-09-08) (PMID: 38160042)

Literature cited by the submitters: PubMed 31911673 (cited by Quest Diagnostics Nichols Institute San Juan Capistrano).